The following is an entry in ClinVar:

NM_007215.4(POLG2):c.850C>T (p.Arg284Trp)

Genes: MILR1 (mast cell immunoglobulin like receptor 1; plus strand), POLG2 (DNA polymerase gamma 2, accessory subunit; minus strand). Cytogenetic location: 17q23.3.
Variant type: single nucleotide variant.
Coding change: c.850C>T on transcript NM_007215.4 (MANE Select); coding-DNA position 850, C replaced by T.
Protein change: p.Arg284Trp; replaces arginine 284 with tryptophan.
Molecular consequence: missense variant.
Genome position (GRCh38, 1-based): chr17:64,490,915, G>A on the plus strand (C>T on the coding strand, the complement: POLG2 is on the minus strand). VCF-style: chr17-64490915-G-A. GRCh37 (hg19) VCF-style: chr17-62487032-G-A.
Other names: c.850C>T (NM_007215.3); short protein forms R284W.
Identifiers: ClinVar variation 2192542 (VCV002192542.6), dbSNP rs1263906123, ClinGen allele CA400638657.

ClinVar aggregate classification (germline): Uncertain significance. Review status: criteria provided, multiple submitters, no conflicts (2 of 4 stars). 3 submissions from 3 submitters: Uncertain significance (3). Last evaluated 2025-09-09.

Allele frequency attached by ClinVar (database versions not stated): TOPMed 0.00001.
gnomAD v4.1: 15 of 1,613,704 alleles (0.00093%); highest among the groups gnomAD compares: African/African-American, 0.004%; no homozygotes.

Submissions (3):

Labcorp Genetics (formerly Invitae), Labcorp
Classification: Uncertain significance. Last evaluated: 2025-09-09. Review status: criteria provided, single submitter. Criteria: Invitae Variant Classification Sherloc (09022015). Collection method: clinical testing. Allele origin: germline.
Comment: This sequence change replaces arginine, which is basic and polar, with tryptophan, which is neutral and slightly polar, at codon 284 of the POLG2 protein (p.Arg284Trp). This variant is present in population databases (no rsID available, gnomAD 0.0009%). This variant has not been reported in the literature in individuals affected with POLG2-related conditions. ClinVar contains an entry for this variant (Variation ID: 2192542). An algorithm developed to predict the effect of missense changes on protein structure and function (PolyPhen-2) suggests that this variant is likely to be disruptive. In summary, the available evidence is currently insufficient to determine the role of this variant in disease. Therefore, it has been classified as a Variant of Uncertain Significance.

Ambry Genetics
Classification: Uncertain significance. Last evaluated: 2023-03-01. Review status: criteria provided, single submitter. Criteria: Ambry Variant Classification Scheme 2023. Collection method: clinical testing. Allele origin: germline.

Blueprint Genetics
Classification: Uncertain significance. Last evaluated: 2021-11-22. Review status: criteria provided, single submitter. Criteria: ACMG Guidelines, 2015. Collection method: clinical testing. Allele origin: germline.